The following is an entry in ClinVar:

ClinVar aggregate classification (germline): Uncertain significance. Review status: criteria provided, multiple submitters, no conflicts (2 of 4 stars). 3 submissions from 3 submitters: Uncertain significance (3). Last evaluated 2023-04-11.

Conditions:
Glycogen storage disease type III (GSD3). Also called: Cori disease; FORBES DISEASE. Identifiers: Orphanet 366, MedGen C0017922, MONDO:0009291, OMIM 232400.

Allele frequency attached by ClinVar (database versions not stated): gnomAD exomes below 0.00001; gnomAD 0.00002; TOPMed 0.00003.
gnomAD v4.1: 6 of 1,613,526 alleles (0.00037%); highest among the groups gnomAD compares: African/African-American, 0.0067%; no homozygotes.

Submissions (3):

Genome-Nilou Lab
Classification: Uncertain significance for Glycogen storage disease type III. Last evaluated: 2023-04-11. Review status: criteria provided, single submitter. Criteria: ACMG Guidelines, 2015. Collection method: clinical testing. Allele origin: germline. Affected: no.

Labcorp Genetics (formerly Invitae), Labcorp
Classification: Uncertain significance for Glycogen storage disease type III. Last evaluated: 2022-04-04. Review status: criteria provided, single submitter. Criteria: Invitae Variant Classification Sherloc (09022015). Collection method: clinical testing. Allele origin: germline.
Comment: Algorithms developed to predict the effect of sequence changes on RNA splicing suggest that this variant may create or strengthen a splice site. Algorithms developed to predict the effect of missense changes on protein structure and function are either unavailable or do not agree on the potential impact of this missense change (SIFT: "Tolerated"; PolyPhen-2: "Possibly Damaging"; Align-GVGD: "Class C0"). This variant has not been reported in the literature in individuals affected with AGL-related conditions. This variant is present in population databases (no rsID available, gnomAD 0.01%). This sequence change replaces cysteine, which is neutral and slightly polar, with glycine, which is neutral and non-polar, at codon 1005 of the AGL protein (p.Cys1005Gly). In summary, the available evidence is currently insufficient to determine the role of this variant in disease. Therefore, it has been classified as a Variant of Uncertain Significance.

Fulgent Genetics
Classification: Uncertain significance for Glycogen storage disease type III. Last evaluated: 2021-12-05. Review status: criteria provided, single submitter. Criteria: ACMG Guidelines, 2015. Collection method: clinical testing. Allele origin: unknown.

NM_000642.3(AGL):c.3013T>G (p.Cys1005Gly)

Gene: AGL (amylo-alpha-1,6-glucosidase and 4-alpha-glucanotransferase; plus strand). Cytogenetic location: 1p21.2.
Variant type: single nucleotide variant.
Coding change: c.3013T>G on transcript NM_000642.3 (MANE Select); coding-DNA position 3013, T replaced by G.
Protein change: p.Cys1005Gly; replaces cysteine 1005 with glycine.
Molecular consequence: missense variant.
Genome position (GRCh38, 1-based): chr1:99,891,669, T>G. VCF-style: chr1-99891669-T-G. GRCh37 (hg19) VCF-style: chr1-100357225-T-G.
Other names: c.3013T>G, p.Cys1005Gly (NM_000028.3, NM_000643.3, NM_000644.3 and 1 more transcripts); c.2965T>G, p.Cys989Gly (NM_000646.3); c.2992T>G, p.Cys998Gly (NM_001425326.1); c.2812T>G, p.Cys938Gly (NM_001425327.1); c.2809T>G, p.Cys937Gly (NM_001425328.1); c.2674T>G, p.Cys892Gly (NM_001425329.1); c.2635T>G, p.Cys879Gly (NM_001425332.1); short protein forms C1005G, C989G, C879G, C892G, C937G, C938G, C998G.
Identifiers: ClinVar variation 1520412 (VCV001520412.7), dbSNP rs1245795149, ClinGen allele CA341326015.